The following is an entry in ClinVar:

ClinVar aggregate classification (germline): Conflicting classifications of pathogenicity. Review status: criteria provided, conflicting classifications (1 of 4 stars). 10 submissions from 6 submitters: Uncertain significance (6); Likely benign (4). Last evaluated 2026-03-27.

Conditions:
TTN-related disorder. Also called: TTN-related condition; TTN-related disease; TTN-related disorders.
Autosomal recessive limb-girdle muscular dystrophy type 2J (LGMDR10). Also called: MUSCULAR DYSTROPHY, LIMB-GIRDLE, AUTOSOMAL RECESSIVE 10; Limb-girdle muscular dystrophy, type 2J. Identifiers: Orphanet 140922, MedGen C1837342, MONDO:0012127, OMIM 608807.
Dilated cardiomyopathy 1G (CMD1G). Identifiers: Orphanet 154, MedGen C1858763, MONDO:0011400, OMIM 604145.
Myopathy, myofibrillar, 9, with early respiratory failure (MFM9). Also called: Myopathy, distal, with early respiratory failure, autosomal dominant; EDSTROM MYOPATHY; MYOPATHY, PROXIMAL, WITH EARLY RESPIRATORY MUSCLE INVOLVEMENT; Hereditary myopathy with early respiratory failure. Identifiers: Orphanet 178464, Orphanet 34521, MedGen C1863599, MONDO:0011362, OMIM 603689.
Early-onset myopathy with fatal cardiomyopathy (CMYO5). Also called: CONGENITAL MYOPATHY 5 WITH CARDIOMYOPATHY; Salih Myopathy. Identifiers: Orphanet 289377, MedGen C2673677, MONDO:0012714, OMIM 611705. Disease mechanism: loss of function.
Tibial muscular dystrophy (TMD). Also called: Tibial muscular dystrophy, tardive; UDD MYOPATHY; Udd Distal Myopathy – Tibial Muscular Dystrophy. Identifiers: Orphanet 609, MedGen C1838244, MONDO:0010870, OMIM 600334.

Allele frequency attached by ClinVar (database versions not stated): TOPMed 0.00002; ExAC 0.00003.
gnomAD v4.1: 32 of 1,611,418 alleles (0.002%); highest among the groups gnomAD compares: East Asian, 0.042%; no homozygotes.

Submissions (10):

Molecular Diagnostic Laboratory for Inherited Cardiovascular Disease, Montreal Heart Institute
Classification: Likely benign. Last evaluated: 2026-03-27. Review status: criteria provided, single submitter. Criteria: ACMG Guidelines, 2015. Collection method: clinical testing. Allele origin: germline. Affected: no.
Comment: BS1;BP1

PreventionGenetics, part of Exact Sciences
Classification: Uncertain significance for TTN-related condition. Last evaluated: 2025-08-27. Review status: criteria provided, single submitter. Criteria: ACMG Guidelines, 2015. Collection method: clinical testing. Allele origin: germline.
Comment: The TTN c.31756C>G variant is predicted to result in the amino acid substitution p.Pro10586Ala. To our knowledge, this variant has not been reported in the literature. This variant is reported in 0.0066% of alleles in individuals of South Asian descent in gnomAD. At this time, the clinical significance of this variant is uncertain due to the absence of conclusive functional and genetic evidence.

Blueprint Genetics
Classification: Likely benign. Last evaluated: 2021-07-27. Review status: criteria provided, single submitter. Criteria: ACMG Guidelines, 2015. Collection method: clinical testing. Allele origin: germline.

GeneDx
Classification: Uncertain significance. Last evaluated: 2019-07-26. Review status: criteria provided, single submitter. Criteria: GeneDx Variant Classification Process June 2021. Collection method: clinical testing. Allele origin: germline. Affected: yes.

Illumina Laboratory Services, Illumina
Classification: Uncertain significance for Autosomal recessive limb-girdle muscular dystrophy type 2J. Last evaluated: 2018-01-13. Review status: criteria provided, single submitter. Criteria: ICSL Variant Classification Criteria 13 December 2019. Collection method: clinical testing. Allele origin: germline.

Illumina Laboratory Services, Illumina
Classification: Uncertain significance for Early-onset myopathy with fatal cardiomyopathy. Last evaluated: 2018-01-13. Review status: criteria provided, single submitter. Criteria: ICSL Variant Classification Criteria 13 December 2019. Collection method: clinical testing. Allele origin: germline.

Illumina Laboratory Services, Illumina
Classification: Likely benign for Tibial muscular dystrophy. Last evaluated: 2018-01-13. Review status: criteria provided, single submitter. Criteria: ICSL Variant Classification Criteria 13 December 2019. Collection method: clinical testing. Allele origin: germline.
Comment: This variant was observed in the ICSL laboratory as part of a predisposition screen in an ostensibly healthy population. It had not been previously curated by ICSL or reported in the Human Gene Mutation Database (HGMD: prior to June 1st, 2018), and was therefore a candidate for classification through an automated scoring system. Utilizing variant allele frequency, disease prevalence and penetrance estimates, and inheritance mode, an automated score was calculated to assess if this variant is too frequent to cause the disease. Based on the score and internal cut-off values, a variant classified as likely benign is not then subjected to further curation. The score for this variant resulted in a classification of likely benign for this disease.

Illumina Laboratory Services, Illumina
Classification: Likely benign for Myopathy, myofibrillar, 9, with early respiratory failure. Last evaluated: 2018-01-13. Review status: criteria provided, single submitter. Criteria: ICSL Variant Classification Criteria 13 December 2019. Collection method: clinical testing. Allele origin: germline.
Comment: the same text as in the submission from Illumina Laboratory Services, Illumina above.

Illumina Laboratory Services, Illumina
Classification: Uncertain significance for Dilated cardiomyopathy 1G. Last evaluated: 2018-01-13. Review status: criteria provided, single submitter. Criteria: ICSL Variant Classification Criteria 13 December 2019. Collection method: clinical testing. Allele origin: germline.

Labcorp Genetics (formerly Invitae), Labcorp
Classification: Uncertain significance for Dilated cardiomyopathy 1G; Autosomal recessive limb-girdle muscular dystrophy type 2J. Last evaluated: 2016-01-09. Review status: criteria provided, single submitter. Criteria: Invitae Variant Classification Sherloc (09022015). Collection method: clinical testing. Allele origin: germline.

NM_001267550.2(TTN):c.31756C>G (p.Pro10586Ala)

Gene: TTN (titin; minus strand). Cytogenetic location: 2q31.2.
Variant type: single nucleotide variant.
Coding change: c.31756C>G on transcript NM_001267550.2 (MANE Select); coding-DNA position 31756, C replaced by G.
Protein change: p.Pro10586Ala; replaces proline 10586 with alanine.
Molecular consequence: missense variant. On other transcripts: intron variant (3).
Genome position (GRCh38, 1-based): chr2:178,692,022, G>C on the plus strand (C>G on the coding strand, the complement: TTN is on the minus strand). VCF-style: chr2-178692022-G-C. GRCh37 (hg19) VCF-style: chr2-179556749-G-C.
Other names: c.30805C>G, p.Pro10269Ala (NM_001256850.1); c.28024C>G, p.Pro9342Ala (NM_133378.4); c.13282+46060C>G (NM_003319.4); c.13858+46060C>G (NM_133437.4); c.13657+46060C>G (NM_133432.3); short protein forms P10586A, P9342A, P10269A.
Identifiers: ClinVar variation 238740 (VCV000238740.11), dbSNP rs768652249, ClinGen allele CA1998862.